The following is an entry in ClinVar:

ClinVar aggregate classification (germline): Uncertain significance. Review status: criteria provided, multiple submitters, no conflicts (2 of 4 stars). 2 submissions from 2 submitters: Uncertain significance (2). Last evaluated 2026-01-08.

Conditions:
Peroxisome biogenesis disorder. Identifiers: Orphanet 79189, MedGen C1832200, MONDO:0019234. Disease mechanism: loss of function.

Submissions (2):

Women's Health and Genetics/Laboratory Corporation of America, LabCorp
Classification: Uncertain significance. Last evaluated: 2026-01-08. Review status: criteria provided, single submitter. Criteria: LabCorp Variant Classification Summary - May 2015. Collection method: clinical testing. Allele origin: germline.

Labcorp Genetics (formerly Invitae), Labcorp
Classification: Uncertain significance for Peroxisome biogenesis disorder. Last evaluated: 2022-08-15. Review status: criteria provided, single submitter. Criteria: Invitae Variant Classification Sherloc (09022015). Collection method: clinical testing. Allele origin: germline.
Comment: This sequence change falls in intron 10 of the PEX6 gene. It does not directly change the encoded amino acid sequence of the PEX6 protein. It affects a nucleotide within the consensus splice site. This variant is not present in population databases (gnomAD no frequency). This variant has not been reported in the literature in individuals affected with PEX6-related conditions. Variants that disrupt the consensus splice site are a relatively common cause of aberrant splicing (PMID: 17576681, 9536098). Algorithms developed to predict the effect of sequence changes on RNA splicing suggest that this variant may disrupt the consensus splice site. In summary, the available evidence is currently insufficient to determine the role of this variant in disease. Therefore, it has been classified as a Variant of Uncertain Significance.

Literature cited by the submitters: PubMed 17576681 (cited by Labcorp Genetics (formerly Invitae), Labcorp); PubMed 9536098 (cited by Labcorp Genetics (formerly Invitae), Labcorp).

NM_000287.4(PEX6):c.2094+4_2094+6del

Gene: PEX6 (peroxisomal biogenesis factor 6; minus strand). Cytogenetic location: 6p21.1.
Variant type: Deletion.
Coding change: c.2094+4_2094+6del on transcript NM_000287.4 (MANE Select); bases 4 to 6 of the intron after coding-DNA position 2094, 3 bases deleted (GAG; older notation c.2094+4_2094+6delGAG).
Molecular consequence: intron variant. On other transcripts: non-coding transcript variant (1).
Genome position (GRCh38, 1-based): chr6:42,966,519-42,966,521, CTC deleted on the plus strand (GAG on the coding strand, the reverse complement: PEX6 is on the minus strand); deleting any 3 consecutive bases within chr6:42,966,519-42,966,522 gives the same sequence; the c. name uses the placement nearest the transcript's 3' end. VCF-style (leftmost placement, unchanged base first): chr6-42966518-TCTC-T. GRCh37 (hg19) VCF-style: chr6-42934256-TCTC-T.
Other names: c.1830+4_1830+6del (NM_001316313.2); c.2094+4_2094+6delGAG (NM_000287.4).
Identifiers: ClinVar variation 2052080 (VCV002052080.2), dbSNP rs2481209795, ClinGen allele CA2580074629.